The following is an entry in ClinVar:

NM_000018.4(ACADVL):c.1505del (p.Leu502fs)

Gene: ACADVL (acyl-CoA dehydrogenase very long chain; plus strand). Cytogenetic location: 17p13.1.
Variant type: Deletion.
Coding change: c.1505del on transcript NM_000018.4 (MANE Select); coding-DNA position 1505, one base deleted (T; older notation c.1505delT).
Protein change: p.Leu502fs; shifts the reading frame from leucine 502.
Molecular consequence: frameshift variant.
Genome position (GRCh38, 1-based): chr17:7,224,216, T deleted. VCF-style (leftmost placement, unchanged base first): chr17-7224215-CT-C. GRCh37 (hg19) VCF-style: chr17-7127534-CT-C.
Other names: c.1439del, p.Leu480fs (NM_001033859.3); c.1574del, p.Leu525fs (NM_001270447.2); c.1277del, p.Leu426fs (NM_001270448.2); short protein forms L426fs, L480fs, L502fs, L525fs.
Identifiers: ClinVar variation 1726830 (VCV001726830.2), dbSNP rs2508354753, ClinGen allele CA2580094820.

ClinVar aggregate classification (germline): Likely pathogenic (1 of 4 stars; one submission).

Conditions:
Very long chain acyl-CoA dehydrogenase deficiency (ACADVLD). Also called: Very Long-Chain Acyl-Coenzyme A Dehydrogenase Deficiency; VLCAD Deficiency. Identifiers: Orphanet 26793, MedGen C3887523, MONDO:0008723, OMIM 201475.

Submission:

Myriad Genetics, Inc.
Classification: Likely pathogenic for Very long chain acyl-CoA dehydrogenase deficiency. Last evaluated: 2022-01-02. Review status: criteria provided, single submitter. Criteria: Myriad Women's Health Autosomal Recessive and X-Linked Classification Criteria (2021). Collection method: clinical testing. Allele origin: unknown.
Comment: NM_000018.3(ACADVL):c.1505delT(L502Qfs*8) is expected to be pathogenic in the context of very-long-chain acyl-CoA dehydrogenase deficiency. This variant is predicted to lead to an abnormal or absent protein product due to the creation of a premature termination codon in ACADVL, a gene where loss-of-function variants are known to be pathogenic. Please note: this variant was assessed in the context of healthy population screening.